The following is an entry in ClinVar:

NM_000213.5(ITGB4):c.5111C>T (p.Pro1704Leu)

Genes: GALK1 (galactokinase 1; minus strand), ITGB4 (integrin subunit beta 4; plus strand). Cytogenetic location: 17q25.1.
Variant type: single nucleotide variant.
Coding change: c.5111C>T on transcript NM_000213.5 (MANE Select); coding-DNA position 5111, C replaced by T.
Protein change: p.Pro1704Leu; replaces proline 1704 with leucine.
Molecular consequence: missense variant. On other transcripts: intron variant (1).
Genome position (GRCh38, 1-based): chr17:75,757,000, C>T. VCF-style: chr17-75757000-C-T. GRCh37 (hg19) VCF-style: chr17-73753081-C-T.
Other names: c.5060C>T, p.Pro1687Leu (NM_001005619.2); c.4901C>T, p.Pro1634Leu (NM_001005731.3, NM_001321123.2); c.4751C>T, p.Pro1584Leu (NM_001438834.1); c.*22+1034G>A (NM_001381985.1); short protein forms P1687L, P1704L, P1634L, P1584L.
Identifiers: ClinVar variation 1911689 (VCV001911689.2), dbSNP rs757519296, ClinGen allele CA8770469.

ClinVar aggregate classification (germline): Uncertain significance (1 of 4 stars; one submission).

Allele frequency attached by ClinVar (database versions not stated): gnomAD 0.00003; TOPMed 0.00003; ExAC 0.00002.
gnomAD v4.1: 27 of 1,612,770 alleles (0.0017%); highest among the groups gnomAD compares: African/African-American, 0.0027%; no homozygotes.

Submission:

Labcorp Genetics (formerly Invitae), Labcorp
Classification: Uncertain significance. Last evaluated: 2022-08-08. Review status: criteria provided, single submitter. Criteria: Invitae Variant Classification Sherloc (09022015). Collection method: clinical testing. Allele origin: germline.
Comment: This sequence change replaces proline, which is neutral and non-polar, with leucine, which is neutral and non-polar, at codon 1634 of the ITGB4 protein (p.Pro1634Leu). This variant is present in population databases (rs757519296, gnomAD 0.006%). This variant has not been reported in the literature in individuals affected with ITGB4-related conditions. Algorithms developed to predict the effect of missense changes on protein structure and function are either unavailable or do not agree on the potential impact of this missense change (SIFT: "Not Available"; PolyPhen-2: "Probably Damaging"; Align-GVGD: "Not Available"). In summary, the available evidence is currently insufficient to determine the role of this variant in disease. Therefore, it has been classified as a Variant of Uncertain Significance.